The following is an entry in ClinVar:

NM_005559.4(LAMA1):c.4966G>T (p.Asp1656Tyr)

Gene: LAMA1 (laminin subunit alpha 1; minus strand). Cytogenetic location: 18p11.31.
Variant type: single nucleotide variant.
Coding change: c.4966G>T on transcript NM_005559.4 (MANE Select); coding-DNA position 4966, G replaced by T.
Protein change: p.Asp1656Tyr; replaces aspartic acid 1656 with tyrosine.
Molecular consequence: missense variant.
Genome position (GRCh38, 1-based): chr18:6,993,683, C>A on the plus strand (G>T on the coding strand, the complement: LAMA1 is on the minus strand). VCF-style: chr18-6993683-C-A. GRCh37 (hg19) VCF-style: chr18-6993682-C-A.
Other names: short protein forms D1656Y.
Identifiers: ClinVar variation 2457021 (VCV002457021.4), dbSNP rs532060695, ClinGen allele CA8881737.

ClinVar aggregate classification (germline): Uncertain significance. Review status: criteria provided, multiple submitters, no conflicts (2 of 4 stars). 2 submissions from 2 submitters: Uncertain significance (2). Last evaluated 2025-12-03.

Conditions:
Inborn genetic diseases. Identifiers: MedGen C0950123, MeSH D030342.

Allele frequency attached by ClinVar (database versions not stated): ExAC 0.00003; 1000 Genomes Project 30x 0.00016; gnomAD 0.00008; 1000 Genomes Project 0.00020; TOPMed 0.00004.
gnomAD v4.1: 40 of 1,614,096 alleles (0.0025%); highest among the groups gnomAD compares: East Asian, 0.022%; no homozygotes.

Submissions (2):

Ambry Genetics
Classification: Uncertain significance for Inborn genetic diseases. Last evaluated: 2025-12-03. Review status: criteria provided, single submitter. Criteria: Ambry Variant Classification Scheme 2023. Collection method: clinical testing. Allele origin: germline.

GeneDx
Classification: Uncertain significance. Last evaluated: 2023-10-10. Review status: criteria provided, single submitter. Criteria: GeneDx Variant Classification Process June 2021. Collection method: clinical testing. Allele origin: germline. Affected: yes.
Comment: In silico analysis supports that this missense variant has a deleterious effect on protein structure/function; Has not been previously published as pathogenic or benign to our knowledge